The following is an entry in ClinVar:

ClinVar aggregate classification (germline): Uncertain significance (1 of 4 stars; one submission).

Conditions:
Inborn genetic diseases. Identifiers: MedGen C0950123, MeSH D030342.

Submission:

Ambry Genetics
Classification: Uncertain significance for Inborn genetic diseases. Last evaluated: 2024-04-01. Review status: criteria provided, single submitter. Criteria: Ambry Variant Classification Scheme 2023. Collection method: clinical testing. Allele origin: germline.
Comment: The p.A343V variant (also known as c.1028C>T), located in coding exon 9 of the ACD gene, results from a C to T substitution at nucleotide position 1028. The alanine at codon 343 is replaced by valine, an amino acid with similar properties. This amino acid position is conserved. In addition, this alteration is predicted to be tolerated by in silico analysis. Based on the available evidence, the clinical significance of this alteration remains unclear.

NM_001082486.2(ACD):c.770C>T (p.Ala257Val)

Gene: ACD (ACD shelterin complex subunit and telomerase recruitment factor; minus strand). Cytogenetic location: 16q22.1.
Variant type: single nucleotide variant.
Coding change: c.770C>T on transcript NM_001082486.2 (MANE Select); coding-DNA position 770, C replaced by T.
Protein change: p.Ala257Val; replaces alanine 257 with valine.
Molecular consequence: missense variant. On other transcripts: intron variant (1).
Genome position (GRCh38, 1-based): chr16:67,658,614, G>A on the plus strand (C>T on the coding strand, the complement: ACD is on the minus strand). VCF-style: chr16-67658614-G-A. GRCh37 (hg19) VCF-style: chr16-67692517-G-A.
Other names: c.761C>T, p.Ala254Val (NM_022914.3); c.742+106C>T (NM_001410884.1); short protein forms A257V, A254V.
Identifiers: ClinVar variation 3261501 (VCV003261501.1).
Genomic context (GRCh38, chr16:67,658,614, plus strand): 5'-CCTGAGGAACTGGGTGAGGAAGGAGGAGAGGCTATGAGGGTCAGAGATAGGTCCTGCAGA[G>A]CCGGGTCTGGTGGGGGCAGCTCAGGGCCTGGGGGGTTCAGGAAGTCTTATCAGCACTGTG-3'
Protein context (NP_001075955.2, residues 247-267): QGPELPPPDP[Ala257Val]LQDLSLTLIA